The following is an entry in ClinVar:

NM_020921.4(NIN):c.1255C>G (p.Leu419Val)

Gene: NIN (ninein; minus strand). Cytogenetic location: 14q22.1.
Variant type: single nucleotide variant.
Coding change: c.1255C>G on transcript NM_020921.4 (MANE Select); coding-DNA position 1255, C replaced by G.
Protein change: p.Leu419Val; replaces leucine 419 with valine.
Molecular consequence: missense variant.
Genome position (GRCh38, 1-based): chr14:50,770,856, G>C on the plus strand (C>G on the coding strand, the complement: NIN is on the minus strand). VCF-style: chr14-50770856-G-C. GRCh37 (hg19) VCF-style: chr14-51237574-G-C.
Other names: c.1255C>G, p.Leu419Val (NM_016350.5, NM_182944.3, NM_182946.2); short protein forms L419V.
Identifiers: ClinVar variation 4754774 (VCV004754774.1).

ClinVar aggregate classification (germline): Uncertain significance (1 of 4 stars; one submission).

gnomAD v4.1: 6 of 1,613,060 alleles (0.00037%); highest among the groups gnomAD compares: Non-Finnish European, 0.00051%; no homozygotes.

Submission:

Labcorp Genetics (formerly Invitae), Labcorp
Classification: Uncertain significance. Last evaluated: 2025-06-16. Review status: criteria provided, single submitter. Criteria: Invitae Variant Classification Sherloc (09022015). Collection method: clinical testing. Allele origin: germline.
Comment: This sequence change replaces leucine, which is neutral and non-polar, with valine, which is neutral and non-polar, at codon 419 of the NIN protein (p.Leu419Val). This variant is present in population databases (no rsID available, gnomAD 0.0009%). This variant has not been reported in the literature in individuals affected with NIN-related conditions. An algorithm developed to predict the effect of missense changes on protein structure and function (PolyPhen-2) suggests that this variant is likely to be disruptive. In summary, the available evidence is currently insufficient to determine the role of this variant in disease. Therefore, it has been classified as a Variant of Uncertain Significance.